The following is an entry in ClinVar:

NM_198904.4(GABRG2):c.287T>C (p.Met96Thr)

Gene: GABRG2 (gamma-aminobutyric acid type A receptor subunit gamma2; plus strand). Cytogenetic location: 5q34.
Variant type: single nucleotide variant.
Coding change: c.287T>C on transcript NM_198904.4 (MANE Select); coding-DNA position 287, T replaced by C.
Protein change: p.Met96Thr; replaces methionine 96 with threonine.
Molecular consequence: missense variant. On other transcripts: 5 prime UTR variant (2), initiator codon variant (1).
Genome position (GRCh38, 1-based): chr5:162,095,522, T>C. VCF-style: chr5-162095522-T-C. GRCh37 (hg19) VCF-style: chr5-161522528-T-C.
Other names: c.287T>C, p.Met96Thr (NM_000816.3, NM_001375340.1, NM_001375341.1 and 4 more transcripts); c.278T>C, p.Met93Thr (NM_001375339.1); c.221T>C, p.Met74Thr (NM_001375345.1, NM_001375346.1); c.200T>C, p.Met67Thr (NM_001375347.1); c.-72T>C (NM_001375348.1, NM_001375350.1); c.2T>C, p.Met1Thr (NM_001375349.1); short protein forms M1T, M67T, M74T, M93T, M96T.
Identifiers: ClinVar variation 1721970 (VCV001721970.7), dbSNP rs2532559735, ClinGen allele CA362183371.

ClinVar aggregate classification (germline): Uncertain significance (1 of 4 stars; one submission).

Conditions:
EPILEPSY, CHILDHOOD ABSENCE, SUSCEPTIBILITY TO, 2 (ECA2). Identifiers: Orphanet 64280, MedGen C1843244, OMIM 607681.
Febrile seizures, familial, 8 (FEB8). Also called: CONVULSIONS, FAMILIAL FEBRILE, 8. Identifiers: Orphanet 36387, MedGen C1969810, MONDO:0011891, OMIM 607681.

Allele frequency attached by ClinVar (database versions not stated): gnomAD exomes below 0.00001.
gnomAD v4.1: 1 of 1,609,658 alleles (0.000062%); highest among the groups gnomAD compares: Non-Finnish European, 0.000085%; no homozygotes.

Submission:

Labcorp Genetics (formerly Invitae), Labcorp
Classification: Uncertain significance for Febrile seizures, familial, 8; EPILEPSY, CHILDHOOD ABSENCE, SUSCEPTIBILITY TO, 2. Last evaluated: 2024-02-09. Review status: criteria provided, single submitter. Criteria: Invitae Variant Classification Sherloc (09022015). Collection method: clinical testing. Allele origin: germline.
Comment: This sequence change replaces methionine, which is neutral and non-polar, with threonine, which is neutral and polar, at codon 96 of the GABRG2 protein (p.Met96Thr). This variant is not present in population databases (gnomAD no frequency). This variant has not been reported in the literature in individuals affected with GABRG2-related conditions. ClinVar contains an entry for this variant (Variation ID: 1721970). Advanced modeling of protein sequence and biophysical properties (such as structural, functional, and spatial information, amino acid conservation, physicochemical variation, residue mobility, and thermodynamic stability) has been performed at Invitae for this missense variant, however the output from this modeling did not meet the statistical confidence thresholds required to predict the impact of this variant on GABRG2 protein function. In summary, the available evidence is currently insufficient to determine the role of this variant in disease. Therefore, it has been classified as a Variant of Uncertain Significance.